The following is an entry in ClinVar:

ClinVar aggregate classification (germline): Pathogenic (1 of 4 stars; one submission).

Conditions:
Isovaleryl-CoA dehydrogenase deficiency (IVA). Also called: ISOVALERIC ACID CoA DEHYDROGENASE DEFICIENCY; Isovaleric acidemia; Classic Isovaleric Acidemia; IVD DEFICIENCY. Identifiers: Orphanet 33, MedGen C0268575, MONDO:0009475, OMIM 243500.

Submission:

Labcorp Genetics (formerly Invitae), Labcorp
Classification: Pathogenic for Isovaleryl-CoA dehydrogenase deficiency. Last evaluated: 2021-07-19. Review status: criteria provided, single submitter. Criteria: Invitae Variant Classification Sherloc (09022015). Collection method: clinical testing. Allele origin: germline.
Comment: This sequence change creates a premature translational stop signal (p.Gln54Argfs*61) in the IVD gene. It is expected to result in an absent or disrupted protein product. Loss-of-function variants in IVD are known to be pathogenic (PMID: 16602101). This variant is not present in population databases (ExAC no frequency). This variant has not been reported in the literature in individuals affected with IVD-related conditions. For these reasons, this variant has been classified as Pathogenic.

Literature cited by the submitters: PubMed 16602101.

NM_002225.5(IVD):c.150del (p.Gln51fs)

Gene: IVD (isovaleryl-CoA dehydrogenase; plus strand). Cytogenetic location: 15q15.1.
Variant type: Deletion.
Coding change: c.150del on transcript NM_002225.5 (MANE Select); coding-DNA position 150, one base deleted (T; older notation c.150delT).
Protein change: p.Gln51fs; shifts the reading frame from glutamine 51.
Molecular consequence: frameshift variant. On other transcripts: non-coding transcript variant (1), intron variant (1).
Genome position (GRCh38, 1-based): chr15:40,407,641, T deleted. VCF-style (leftmost placement, unchanged base first): chr15-40407640-GT-G. GRCh37 (hg19) VCF-style: chr15-40699841-GT-G.
Other names: c.102del, p.Gln35fs (NM_001354597.3); c.150del, p.Gln51fs (NM_001354598.3, NM_001354599.3, NM_001354600.3 and 1 more transcripts); c.145-298del (NM_001159508.3); short protein forms Q51fs, Q35fs.
Identifiers: ClinVar variation 1351489 (VCV001351489.6), dbSNP rs2141301396, ClinGen allele CA2573150690.
Genomic context (GRCh38, chr15:40,407,640, plus strand): 5'-GTCTGGGTAGTGGAGATGCTGTCTGCAGTGGCATCTGTTTACCTCTCTCCTATTAGCTTC[GT>G]CAGACCATGGCTAAGTTCCTTCAGGAGCACCTGGCCCCCAAGGCCCAGGAGATCGATCGC-3'